The following is an entry in ClinVar:

NM_000238.4(KCNH2):c.1418C>A (p.Thr473Asn)

Gene: KCNH2 (potassium voltage-gated channel subfamily H member 2; minus strand). Cytogenetic location: 7q36.1.
Variant type: single nucleotide variant.
Coding change: c.1418C>A on transcript NM_000238.4 (MANE Select); coding-DNA position 1418, C replaced by A.
Protein change: p.Thr473Asn; replaces threonine 473 with asparagine.
Molecular consequence: missense variant.
Genome position (GRCh38, 1-based): chr7:150,952,564, G>T on the plus strand (C>A on the coding strand, the complement: KCNH2 is on the minus strand). VCF-style: chr7-150952564-G-T. GRCh37 (hg19) VCF-style: chr7-150649652-G-T.
Other names: c.1418C>A (LRG_288t1); c.398C>A, p.Thr133Asn (NM_001204798.2, NM_172057.3); c.1130C>A, p.Thr377Asn (NM_001406753.1, NM_001406756.1); c.1241C>A, p.Thr414Asn (NM_001406755.1); c.1118C>A, p.Thr373Asn (NM_001406757.1); c.1418C>A, p.Thr473Asn (NM_172056.3); short protein forms T133N, T473N, T414N, T373N, T377N.
Identifiers: ClinVar variation 67197 (VCV000067197.7), dbSNP rs199472905, ClinGen allele CA004603.

ClinVar aggregate classification (germline): Conflicting classifications of pathogenicity. Review status: criteria provided, conflicting classifications (1 of 4 stars). 3 submissions from 3 submitters: Likely pathogenic (1); Uncertain significance (1). 1 of the submissions does not count toward it. Last evaluated 2023-02-15.

Conditions:
Familial long QT syndrome (RWS). Also called: Congenital long QT syndrome; Romano-Ward syndrome; VENTRICULAR FIBRILLATION WITH PROLONGED QT INTERVAL. Identifiers: Orphanet 768, MedGen C1141890, MONDO:0019171.

Submissions (3):

Mayo Clinic Laboratories, Mayo Clinic
Classification: Likely pathogenic. Last evaluated: 2023-02-15. Review status: criteria provided, single submitter. Criteria: ACMG Guidelines, 2015. Collection method: clinical testing. Allele origin: germline. Observed: 1 variant allele.
Comment: PP2, PP3, PM1, PM2_supporting, PS4_supporting

Revvity Omics, Revvity
Classification: Uncertain significance. Last evaluated: 2021-09-07. Review status: criteria provided, single submitter. Criteria: ACMG Guidelines, 2015. Collection method: clinical testing. Allele origin: germline.

Cardiovascular Biomedical Research Unit, Royal Brompton & Harefield NHS Foundation Trust
No classification provided. Condition: Familial long QT syndrome. Review status: no classification provided. Collection method: literature only. Allele origin: germline. Not counted in ClinVar's aggregate classification.
Comment: This variant has been reported as associated with Long QT syndrome in the following publications (PMID:19716085). This is a literature report, and does not necessarily reflect the clinical interpretation of the Imperial College / Royal Brompton Cardiovascular Genetics laboratory.

Literature cited by the submitters: PubMed 19716085 (cited by Mayo Clinic Laboratories, Mayo Clinic and Cardiovascular Biomedical Research Unit, Royal Brompton & Harefield NHS Foundation Trust); PubMed 22581653 (cited by Cardiovascular Biomedical Research Unit, Royal Brompton & Harefield NHS Foundation Trust).